The following is an entry in ClinVar:

NM_001197104.2(KMT2A):c.10396A>G (p.Thr3466Ala)

Gene: KMT2A (lysine methyltransferase 2A; plus strand). Cytogenetic location: 11q23.3.
Variant type: single nucleotide variant.
Coding change: c.10396A>G on transcript NM_001197104.2 (MANE Select); coding-DNA position 10396, A replaced by G.
Protein change: p.Thr3466Ala; replaces threonine 3466 with alanine.
Molecular consequence: missense variant.
Genome position (GRCh38, 1-based): chr11:118,506,288, A>G. VCF-style: chr11-118506288-A-G. GRCh37 (hg19) VCF-style: chr11-118377003-A-G.
Other names: c.10387A>G, p.Thr3463Ala (NM_005933.4); short protein forms T3463A, T3466A.
Identifiers: ClinVar variation 712602 (VCV000712602.36), dbSNP rs112678346, ClinGen allele CA6304737.

ClinVar aggregate classification (germline): Benign/Likely benign. Review status: criteria provided, multiple submitters, no conflicts (2 of 4 stars). 5 submissions from 5 submitters: Benign (3); Likely benign (1). 1 of the submissions does not count toward it. Last evaluated 2026-01-28.

Conditions:
KMT2A-related disorder. Also called: KMT2A-related condition.

Allele frequency attached by ClinVar (database versions not stated): gnomAD exomes 0.00020 and 0.00052; ExAC 0.00077; gnomAD 0.00193 and 0.00198; ESP Exome Variant Server 0.00216; TOPMed 0.00218; 1000 Genomes Project 0.00439; 1000 Genomes Project 30x 0.00453.
gnomAD v4.1: 614 of 1,614,080 alleles (0.038%); highest among the groups gnomAD compares: African/African-American, 0.69%; 4 homozygotes.

Submissions (5):

Labcorp Genetics (formerly Invitae), Labcorp
Classification: Benign. Last evaluated: 2026-01-28. Review status: criteria provided, single submitter. Criteria: Invitae Variant Classification Sherloc (09022015). Collection method: clinical testing. Allele origin: germline.

CeGaT Center for Human Genetics Tuebingen
Classification: Benign. Last evaluated: 2024-08-01. Review status: criteria provided, single submitter. Criteria: CeGaT Center For Human Genetics Tuebingen Variant Classification Criteria Version 2. Collection method: clinical testing. Allele origin: germline. Affected: yes. Observed: 4 variant alleles.
Comment: KMT2A: BP4, BS1, BS2

Blueprint Genetics
Classification: Likely benign. Last evaluated: 2024-07-30. Review status: criteria provided, single submitter. Criteria: ACMG Guidelines, 2015. Collection method: clinical testing. Allele origin: germline.

GeneDx
Classification: Benign. Last evaluated: 2019-12-23. Review status: criteria provided, single submitter. Criteria: GeneDx Variant Classification Process June 2021. Collection method: clinical testing. Allele origin: germline. Affected: yes.

PreventionGenetics, part of Exact Sciences
Classification: Benign for KMT2A-related condition. Last evaluated: 2020-02-18. Review status: no assertion criteria provided. Collection method: clinical testing. Allele origin: germline. Not counted in ClinVar's aggregate classification.
Comment: This variant is classified as benign based on ACMG/AMP sequence variant interpretation guidelines (Richards et al. 2015 PMID: 25741868, with internal and published modifications).